The following is an entry in ClinVar:

NC_000001.10:g.(?_216166352)_(216173914_?)del

Gene: USH2A (usherin; minus strand). Cytogenetic location: 1q41.
Variant type: Deletion.
Identifiers: ClinVar variation 1459460 (VCV001459460.5).

ClinVar aggregate classification (germline): Pathogenic (1 of 4 stars; one submission).

Submission:

Labcorp Genetics (formerly Invitae), Labcorp
Classification: Pathogenic. Last evaluated: 2022-10-28. Review status: criteria provided, single submitter. Criteria: Invitae Variant Classification Sherloc (09022015). Collection method: clinical testing. Allele origin: germline.
Comment: For these reasons, this variant has been classified as Pathogenic. This variant disrupts a region of the USH2A protein in which other variant(s) (p.Pro2241Leu) have been determined to be pathogenic (PMID: 26927203, 27318125; Invitae). This suggests that this is a clinically significant region of the protein, and that variants that disrupt it are likely to be disease-causing. This variant has not been reported in the literature in individuals affected with USH2A-related conditions. This variant is a gross deletion of the genomic region encompassing exon(s) 33-35 of the USH2A gene. This variant would be expected to be in-frame, preserving the integrity of the reading frame.

Literature cited by the submitters: PubMed 26927203; PubMed 27318125.